The following is an entry in ClinVar:

NM_000642.3(AGL):c.3131C>T (p.Ser1044Leu)

Gene: AGL (amylo-alpha-1,6-glucosidase and 4-alpha-glucanotransferase; plus strand). Cytogenetic location: 1p21.2.
Variant type: single nucleotide variant.
Coding change: c.3131C>T on transcript NM_000642.3 (MANE Select); coding-DNA position 3131, C replaced by T.
Protein change: p.Ser1044Leu; replaces serine 1044 with leucine.
Molecular consequence: missense variant.
Genome position (GRCh38, 1-based): chr1:99,892,479, C>T. VCF-style: chr1-99892479-C-T. GRCh37 (hg19) VCF-style: chr1-100358035-C-T.
Other names: c.3131C>T, p.Ser1044Leu (NM_000028.3, NM_000643.3, NM_000644.3 and 1 more transcripts); c.3083C>T, p.Ser1028Leu (NM_000646.3); c.3110C>T, p.Ser1037Leu (NM_001425326.1); c.2930C>T, p.Ser977Leu (NM_001425327.1); c.2927C>T, p.Ser976Leu (NM_001425328.1); c.2792C>T, p.Ser931Leu (NM_001425329.1); c.2753C>T, p.Ser918Leu (NM_001425332.1); short protein forms S1044L, S1028L, S1037L, S918L, S931L, S976L, S977L.
Identifiers: ClinVar variation 1394419 (VCV001394419.5), dbSNP rs1166582494, ClinGen allele CA341326681.
Genomic context (GRCh38, chr1:99,892,479, plus strand): 5'-ACTTTTGTTACAGCTTTGTTCAGAATGGTTCAACCTTTGTGAAACACCTTTCATTGGGTT[C>T]AGTTCAACTGTGTGGAGTAGGAAAATTCCCTTCCCTGCCAATTCTTTCACCTGCCCTAAT-3'
Protein context (NP_000633.2, residues 1034-1054): STFVKHLSLG[Ser1044Leu]VQLCGVGKFP

ClinVar aggregate classification (germline): Uncertain significance (1 of 4 stars; one submission).

Conditions:
Glycogen storage disease type III (GSD3). Also called: Cori disease; FORBES DISEASE. Identifiers: Orphanet 366, MedGen C0017922, MONDO:0009291, OMIM 232400.

Allele frequency attached by ClinVar (database versions not stated): gnomAD exomes below 0.00001.
gnomAD v4.1: 1 of 1,613,576 alleles (0.000062%); highest among the groups gnomAD compares: Non-Finnish European, 0.000085%; no homozygotes.

Submission:

Labcorp Genetics (formerly Invitae), Labcorp
Classification: Uncertain significance for Glycogen storage disease type III. Last evaluated: 2021-09-01. Review status: criteria provided, single submitter. Criteria: Invitae Variant Classification Sherloc (09022015). Collection method: clinical testing. Allele origin: germline.
Comment: This sequence change replaces serine with leucine at codon 1044 of the AGL protein (p.Ser1044Leu). The serine residue is moderately conserved and there is a large physicochemical difference between serine and leucine. This variant is not present in population databases (ExAC no frequency). This variant has not been reported in the literature in individuals affected with AGL-related conditions. Algorithms developed to predict the effect of missense changes on protein structure and function are either unavailable or do not agree on the potential impact of this missense change (SIFT: "Deleterious"; PolyPhen-2: "Probably Damaging"; Align-GVGD: "Class C0"). In summary, the available evidence is currently insufficient to determine the role of this variant in disease. Therefore, it has been classified as a Variant of Uncertain Significance.